The following is an entry in ClinVar:

ClinVar aggregate classification (germline): Conflicting classifications of pathogenicity. Review status: criteria provided, conflicting classifications (1 of 4 stars). 2 submissions from 2 submitters: Uncertain significance (1); Likely benign (1). Last evaluated 2026-07-10.

Conditions:
Hereditary cancer-predisposing syndrome. Also called: Hereditary neoplastic syndrome; Neoplastic Syndromes, Hereditary; Tumor predisposition; Hereditary Cancer Syndrome. Identifiers: Orphanet 140162, MedGen C0027672, MeSH D009386, MONDO:0015356.
Cardiovascular phenotype. Identifiers: MedGen CN230736.
Neurofibromatosis, type 1 (NF1). Also called: NEUROFIBROMATOSIS, TYPE I, SOMATIC; VON RECKLINGHAUSEN DISEASE; Peripheral type neurofibromatosis; Neurofibromatosis, type I. Identifiers: Orphanet 636, MedGen C0027831, MONDO:0018975, OMIM 162200. Disease mechanism: loss of function.

Submissions (2):

Ambry Genetics
Classification: Likely benign for Cardiovascular phenotype; Hereditary cancer-predisposing syndrome. Last evaluated: 2026-07-10. Review status: criteria provided, single submitter. Criteria: Ambry Variant Classification Scheme 2023. Collection method: clinical testing. Allele origin: germline.

Labcorp Genetics (formerly Invitae), Labcorp
Classification: Uncertain significance for Neurofibromatosis, type 1. Last evaluated: 2024-10-03. Review status: criteria provided, single submitter. Criteria: Invitae Variant Classification Sherloc (09022015). Collection method: clinical testing. Allele origin: germline.
Comment: This sequence change replaces proline, which is neutral and non-polar, with leucine, which is neutral and non-polar, at codon 2771 of the NF1 protein (p.Pro2771Leu). This variant is not present in population databases (gnomAD no frequency). This variant has not been reported in the literature in individuals affected with NF1-related conditions. ClinVar contains an entry for this variant (Variation ID: 1959083). An algorithm developed to predict the effect of missense changes on protein structure and function (PolyPhen-2) suggests that this variant is likely to be disruptive. In summary, the available evidence is currently insufficient to determine the role of this variant in disease. Therefore, it has been classified as a Variant of Uncertain Significance.

NM_001042492.3(NF1):c.8375C>T (p.Pro2792Leu)

Gene: NF1 (neurofibromin 1; plus strand). Cytogenetic location: 17q11.2.
Variant type: single nucleotide variant.
Coding change: c.8375C>T on transcript NM_001042492.3 (MANE Select); coding-DNA position 8375, C replaced by T.
Protein change: p.Pro2792Leu; replaces proline 2792 with leucine.
Molecular consequence: missense variant.
Genome position (GRCh38, 1-based): chr17:31,360,701, C>T. VCF-style: chr17-31360701-C-T. GRCh37 (hg19) VCF-style: chr17-29687719-C-T.
Other names: c.8312C>T, p.Pro2771Leu (NM_000267.4); short protein forms P2771L, P2792L.
Identifiers: ClinVar variation 1959083 (VCV001959083.6), dbSNP rs2508843928, ClinGen allele CA399205152.
Genomic context (GRCh38, chr17:31,360,701, plus strand): 5'-TCACTGCCAACCTTAACCTTTCTAATTCCATGACCTCACTTGCAACTTCCCAGCATTCCC[C>T]AGGTCAGTAAATGTGATCTTTATATGACTTTGAGCAACAATATAAGACACCAACATTAGG-3'
Protein context (NP_001035957.1, residues 2782-2802): MTSLATSQHS[Pro2792Leu]GIDKENVELS